The following is an entry in ClinVar:

ClinVar aggregate classification (germline): Likely pathogenic (1 of 4 stars; one submission).

Conditions:
Microcephaly 6, primary, autosomal recessive. Identifiers: Orphanet 2512, MedGen C1842109, MONDO:0012029, OMIM 608393.
Seckel syndrome 4 (SCKL4). Identifiers: Orphanet 808, MedGen C3888212, MONDO:0013358, OMIM 613676.

Submission:

Juno Genomics, Hangzhou Juno Genomics, Inc
Classification: Likely pathogenic for Microcephaly 6, primary, autosomal recessive; Seckel syndrome 4. Review status: criteria provided, single submitter. Criteria: ACMG Guidelines, 2015. Collection method: clinical testing. Allele origin: germline.
Comment: Absent from controls (or at extremely low frequency if recessive) in Genome Aggregation Database.;Null variant in a gene where loss of function (LOF) is a known mechanism of disease.

NM_018451.5(CPAP):c.3612_3615dup (p.Val1206fs)

Genes: RNF17 (ring finger protein 17; plus strand), CPAP (centrosome assembly and centriole elongation protein; minus strand). Cytogenetic location: 13q12.12.
Variant type: Duplication.
Coding change: c.3612_3615dup on transcript NM_018451.5 (MANE Select); coding-DNA positions 3612 to 3615, 4 bases duplicated (AAGA; older notation c.3612_3615dupAAGA).
Protein change: p.Val1206fs; shifts the reading frame from valine 1206.
Molecular consequence: frameshift variant. On other transcripts: non-coding transcript variant (2).
Genome position (GRCh38, 1-based): chr13:24,884,326-24,884,329, TCTT duplicated on the plus strand (AAGA on the coding strand, the reverse complement: CPAP is on the minus strand); duplicating any 4 consecutive bases within chr13:24,884,326-24,884,330 gives the same sequence; the c. name uses the placement nearest the transcript's 3' end. VCF-style (leftmost placement, unchanged base first): chr13-24884325-C-CTCTT. GRCh37 (hg19) VCF-style: chr13-25458463-C-CTCTT.
Other names: short protein forms V1206fs.
Identifiers: ClinVar variation 5037987 (VCV005037987.2).